The following is an entry in ClinVar:

ClinVar aggregate classification (germline): Conflicting classifications of pathogenicity. Review status: criteria provided, conflicting classifications (1 of 4 stars). 3 submissions from 3 submitters: Uncertain significance (1); Likely benign (1). 1 of the submissions does not count toward it. Last evaluated 2026-01-26.

Conditions:
Bardet-Biedl syndrome (BBS). Identifiers: Orphanet 110, MedGen C0752166, MONDO:0015229.
TTC8-related disorder. Also called: TTC8-related condition.

Allele frequency attached by ClinVar (database versions not stated): TOPMed below 0.00001; ExAC 0.00001.
gnomAD v4.1: 35 of 1,613,200 alleles (0.0022%); highest among the groups gnomAD compares: Non-Finnish European, 0.0028%; no homozygotes.

Submissions (3):

Labcorp Genetics (formerly Invitae), Labcorp
Classification: Likely benign for Bardet-Biedl syndrome. Last evaluated: 2026-01-26. Review status: criteria provided, single submitter. Criteria: Invitae Variant Classification Sherloc (09022015). Collection method: clinical testing. Allele origin: germline.

Blueprint Genetics
Classification: Uncertain significance. Last evaluated: 2023-12-19. Review status: criteria provided, single submitter. Criteria: ACMG Guidelines, 2015. Collection method: clinical testing. Allele origin: germline.

PreventionGenetics, part of Exact Sciences
Classification: Likely benign for TTC8-related condition. Last evaluated: 2024-08-06. Review status: no assertion criteria provided. Collection method: clinical testing. Allele origin: germline. Not counted in ClinVar's aggregate classification.
Comment: This variant is classified as likely benign based on ACMG/AMP sequence variant interpretation guidelines (Richards et al. 2015 PMID: 25741868, with internal and published modifications).

NM_144596.4(TTC8):c.490-9C>A

Gene: TTC8 (tetratricopeptide repeat domain 8; plus strand). Cytogenetic location: 14q31.3.
Variant type: single nucleotide variant.
Coding change: c.490-9C>A on transcript NM_144596.4 (MANE Select); 9 bases into the intron before coding-DNA position 490, C replaced by A.
Molecular consequence: intron variant.
Genome position (GRCh38, 1-based): chr14:88,841,416, C>A. VCF-style: chr14-88841416-C-A. GRCh37 (hg19) VCF-style: chr14-89307760-C-A.
Other names: c.-103-9C>A (NM_001288782.1); c.460-9C>A (NM_001288781.1, NM_198309.3, NM_001366535.2); c.-199+220C>A (NM_001288783.1); c.459+220C>A (NM_198310.3, NM_001366536.2).
Identifiers: ClinVar variation 866587 (VCV000866587.12), dbSNP rs770386094, ClinGen allele CA7302497.